The following is an entry in ClinVar:

NM_201384.3(PLEC):c.3073G>A (p.Glu1025Lys)

Gene: PLEC (plectin; minus strand). Cytogenetic location: 8q24.3.
Variant type: single nucleotide variant.
Coding change: c.3073G>A on transcript NM_201384.3 (MANE Select); coding-DNA position 3073, G replaced by A.
Protein change: p.Glu1025Lys; replaces glutamic acid 1025 with lysine.
Molecular consequence: missense variant.
Genome position (GRCh38, 1-based): chr8:143,929,422, C>T on the plus strand (G>A on the coding strand, the complement: PLEC is on the minus strand). VCF-style: chr8-143929422-C-T. GRCh37 (hg19) VCF-style: chr8-145003590-C-T.
Other names: c.3154G>A, p.Glu1052Lys (NM_000445.5); c.3031G>A, p.Glu1011Lys (NM_201378.4); c.3007G>A, p.Glu1003Lys (NM_201379.3); c.3484G>A, p.Glu1162Lys (NM_201380.4); c.2977G>A, p.Glu993Lys (NM_201381.3); c.3073G>A, p.Glu1025Lys (NM_201382.4); c.3085G>A, p.Glu1029Lys (NM_201383.3); short protein forms E1162K, E1052K, E993K, E1025K, E1029K, E1003K, E1011K.
Identifiers: ClinVar variation 538999 (VCV000538999.17), dbSNP rs150652392, ClinGen allele CA4927238.

ClinVar aggregate classification (germline): Likely benign. Review status: criteria provided, multiple submitters, no conflicts (2 of 4 stars). 5 submissions from 5 submitters: Likely benign (5). Last evaluated 2025-10-02.

Conditions:
PLEC-related disorder. Also called: PLEC-related disorders; PLEC-related condition.
Epidermolysis bullosa simplex, Ogna type (EBS5A). Also called: Pidermolysis bullosa simplex 5A, Ogna type; EPIDERMOLYSIS BULLOSA SIMPLEX 5A, OGNA TYPE. Identifiers: Orphanet 79401, MedGen C0432317, MONDO:0007555, OMIM 131950.
Epidermolysis bullosa simplex 5B, with muscular dystrophy (EBS5B). Also called: Epidermolysis bullosa simplex with muscular dystrophy; EPIDERMOLYSIS BULLOSA SIMPLEX AND LIMB-GIRDLE MUSCULAR DYSTROPHY. Identifiers: Orphanet 257, MedGen C2931072, MONDO:0009181, OMIM 226670.
Epidermolysis bullosa simplex with nail dystrophy (EBS5D). Identifiers: MedGen C4225309, MONDO:0014661, OMIM 616487.
Autosomal recessive limb-girdle muscular dystrophy type 2Q (LGMDR17). Also called: MUSCULAR DYSTROPHY, LIMB-GIRDLE, AUTOSOMAL RECESSIVE 17. Identifiers: Orphanet 254361, MedGen C3150989, MONDO:0013390, OMIM 613723.
Epidermolysis bullosa simplex 5C, with pyloric atresia (EBS5C). Also called: PLEC-Related Epidermolysis Bullosa with Pyloric Atresia; Epidermolysis bullosa simplex with pyloric atresia; PLEC1-Related Epidermolysis Bullosa with Pyloric Atresia. Identifiers: Orphanet 158684, MedGen C2677349, MONDO:0012807, OMIM 612138.

Allele frequency attached by ClinVar (database versions not stated): gnomAD exomes 0.00010 and 0.00015; ExAC 0.00021; ESP Exome Variant Server 0.00033; TOPMed 0.00070; gnomAD 0.00077 and 0.00081; 1000 Genomes Project 0.00120; 1000 Genomes Project 30x 0.00125.
gnomAD v4.1: 264 of 1,565,208 alleles (0.017%); highest among the groups gnomAD compares: African/African-American, 0.26%; no homozygotes.

Submissions (5):

Labcorp Genetics (formerly Invitae), Labcorp
Classification: Likely benign for Autosomal recessive limb-girdle muscular dystrophy type 2Q; Epidermolysis bullosa simplex, Ogna type; Epidermolysis bullosa simplex with nail dystrophy; Epidermolysis bullosa simplex 5C, with pyloric atresia; Epidermolysis bullosa simplex 5B, with muscular dystrophy. Last evaluated: 2025-10-02. Review status: criteria provided, single submitter. Criteria: Invitae Variant Classification Sherloc (09022015). Collection method: clinical testing. Allele origin: germline.

PreventionGenetics, part of Exact Sciences
Classification: Likely benign for PLEC-related condition. Last evaluated: 2025-01-03. Review status: criteria provided, single submitter. Criteria: ACMG Guidelines, 2015. Collection method: clinical testing. Allele origin: germline.
Comment: This variant is classified as likely benign based on ACMG/AMP sequence variant interpretation guidelines (Richards et al. 2015 PMID: 25741868, with internal and published modifications).

Athena Diagnostics
Classification: Likely benign. Last evaluated: 2024-08-13. Review status: criteria provided, single submitter. Criteria: Athena Diagnostics Criteria. Collection method: clinical testing. Allele origin: unknown.

Blueprint Genetics
Classification: Likely benign. Last evaluated: 2024-03-07. Review status: criteria provided, single submitter. Criteria: ACMG Guidelines, 2015. Collection method: clinical testing. Allele origin: germline.

GeneDx
Classification: Likely benign. Last evaluated: 2021-02-19. Review status: criteria provided, single submitter. Criteria: GeneDx Variant Classification Process June 2021. Collection method: clinical testing. Allele origin: germline. Affected: yes.
Comment: In silico analysis, which includes protein predictors and evolutionary conservation, supports a deleterious effect; Missense variant in a gene in which most reported pathogenic variants are truncating/loss-of-function; Has not been previously published as pathogenic or benign to our knowledge; In-silico analysis, which includes splice predictors and evolutionary conservation, is inconclusive as to whether the variant alters gene splicing. In the absence of RNA/functional studies, the actual effect of this sequence change is unknown.